The following is an entry in ClinVar:

NM_001352514.2(HLCS):c.970G>A (p.Gly324Ser)

Gene: HLCS (holocarboxylase synthetase; minus strand). Cytogenetic location: 21q22.13.
Variant type: single nucleotide variant.
Coding change: c.970G>A on transcript NM_001352514.2 (MANE Select); coding-DNA position 970, G replaced by A.
Protein change: p.Gly324Ser; replaces glycine 324 with serine.
Molecular consequence: missense variant. On other transcripts: non-coding transcript variant (2).
Genome position (GRCh38, 1-based): chr21:36,936,916, C>T on the plus strand (G>A on the coding strand, the complement: HLCS is on the minus strand). VCF-style: chr21-36936916-C-T. GRCh37 (hg19) VCF-style: chr21-38309216-C-T.
Other names: c.529G>A, p.Gly177Ser (NM_000411.8, NM_001242784.3, NM_001242785.2 and 4 more transcripts); short protein forms G324S, G177S.
Identifiers: ClinVar variation 1430063 (VCV001430063.5), dbSNP rs574778377, ClinGen allele CA10020664.

ClinVar aggregate classification (germline): Uncertain significance (1 of 4 stars; one submission).

Conditions:
Holocarboxylase synthetase deficiency. Also called: MULTIPLE CARBOXYLASE DEFICIENCY, EARLY ONSET. Identifiers: Orphanet 79242, MedGen C0268581, MONDO:0009666, OMIM 253270.

Allele frequency attached by ClinVar (database versions not stated): gnomAD 0.00001; gnomAD exomes 0.00001; ExAC 0.00002; 1000 Genomes Project 30x 0.00016; 1000 Genomes Project 0.00020.

Submission:

Labcorp Genetics (formerly Invitae), Labcorp
Classification: Uncertain significance for Holocarboxylase synthetase deficiency. Last evaluated: 2022-10-05. Review status: criteria provided, single submitter. Criteria: Invitae Variant Classification Sherloc (09022015). Collection method: clinical testing. Allele origin: germline.
Comment: This sequence change replaces glycine, which is neutral and non-polar, with serine, which is neutral and polar, at codon 177 of the HLCS protein (p.Gly177Ser). This variant is present in population databases (rs574778377, gnomAD 0.006%). This variant has not been reported in the literature in individuals affected with HLCS-related conditions. ClinVar contains an entry for this variant (Variation ID: 1430063). Advanced modeling of protein sequence and biophysical properties (such as structural, functional, and spatial information, amino acid conservation, physicochemical variation, residue mobility, and thermodynamic stability) performed at Invitae indicates that this missense variant is not expected to disrupt HLCS protein function. In summary, the available evidence is currently insufficient to determine the role of this variant in disease. Therefore, it has been classified as a Variant of Uncertain Significance.